The following is an entry in ClinVar:

NM_016213.5(TRIP4):c.20T>C (p.Val7Ala)

Gene: TRIP4 (thyroid hormone receptor interactor 4; plus strand). Cytogenetic location: 15q22.31.
Variant type: single nucleotide variant.
Coding change: c.20T>C on transcript NM_016213.5 (MANE Select); coding-DNA position 20, T replaced by C.
Protein change: p.Val7Ala; replaces valine 7 with alanine.
Molecular consequence: missense variant. On other transcripts: 5 prime UTR variant (1), non-coding transcript variant (1).
Genome position (GRCh38, 1-based): chr15:64,387,883, T>C. VCF-style: chr15-64387883-T-C. GRCh37 (hg19) VCF-style: chr15-64680082-T-C.
Other names: c.-755T>C (NM_001321924.2); c.20T>C (NM_016213.4); short protein forms V7A.
Identifiers: ClinVar variation 1357132 (VCV001357132.7), dbSNP rs1040878226, ClinGen allele CA271492298.
Genomic context (GRCh38, chr15:64,387,883, plus strand): 5'-ACGTGGGGCTTTTGCAGCTCAGCTGGTTCCGGCTGGGGAAGATGGCGGTGGCTGGGGCGG[T>C]GTCCGGGGAGCCGCTGGTGCACTGGTGCACCCAGCAGTTGCGGAAGACTTTCGGCCTGGA-3'
Protein context (NP_057297.2, residues 1-17): MAVAGA[Val7Ala]SGEPLVHWCT

ClinVar aggregate classification (germline): Conflicting classifications of pathogenicity. Review status: criteria provided, conflicting classifications (1 of 4 stars). 3 submissions from 3 submitters: Uncertain significance (2); Likely benign (1). Last evaluated 2023-10-06.

Conditions:
Inborn genetic diseases. Identifiers: MedGen C0950123, MeSH D030342.

Allele frequency attached by ClinVar (database versions not stated): gnomAD 0.00002 and 0.00003; gnomAD exomes 0.00002; TOPMed 0.00007.

Submissions (3):

Ambry Genetics
Classification: Likely benign for Inborn genetic diseases. Last evaluated: 2023-10-06. Review status: criteria provided, single submitter. Criteria: Ambry Variant Classification Scheme 2023. Collection method: clinical testing. Allele origin: germline.

Labcorp Genetics (formerly Invitae), Labcorp
Classification: Uncertain significance. Last evaluated: 2022-10-05. Review status: criteria provided, single submitter. Criteria: Invitae Variant Classification Sherloc (09022015). Collection method: clinical testing. Allele origin: germline.
Comment: This sequence change replaces valine, which is neutral and non-polar, with alanine, which is neutral and non-polar, at codon 7 of the TRIP4 protein (p.Val7Ala). This variant is present in population databases (no rsID available, gnomAD 0.004%). This variant has not been reported in the literature in individuals affected with TRIP4-related conditions. ClinVar contains an entry for this variant (Variation ID: 1357132). Algorithms developed to predict the effect of missense changes on protein structure and function output the following: SIFT: "Tolerated"; PolyPhen-2: "Benign"; Align-GVGD: "Class C0". The alanine amino acid residue is found in multiple mammalian species, which suggests that this missense change does not adversely affect protein function. In summary, the available evidence is currently insufficient to determine the role of this variant in disease. Therefore, it has been classified as a Variant of Uncertain Significance.

Breakthrough Genomics
Classification: Uncertain significance. Review status: criteria provided, single submitter. Criteria: ACMG Guidelines, 2015. Collection method: not provided. Allele origin: germline. Inheritance: Autosomal recessive inheritance. Affected: yes.